The following is an entry in ClinVar:

NM_000492.4(CFTR):c.3827C>G (p.Ser1276Ter)

Genes: CFTR (CF transmembrane conductance regulator; plus strand), CFTR-AS2 (CFTR antisense RNA 2; minus strand). Cytogenetic location: 7q31.2.
Variant type: single nucleotide variant.
Coding change: c.3827C>G on transcript NM_000492.4 (MANE Select); coding-DNA position 3827, C replaced by G.
Protein change: p.Ser1276Ter; replaces serine 1276 with a stop codon.
Molecular consequence: nonsense.
Genome position (GRCh38, 1-based): chr7:117,642,547, C>G. VCF-style: chr7-117642547-C-G. GRCh37 (hg19) VCF-style: chr7-117282601-C-G.
Other names: short protein forms S1276*.
Identifiers: ClinVar variation 4818547 (VCV004818547.1).
Genomic context (GRCh38, chr7:117,642,547, plus strand): 5'-CTTTTTTGAGACTACTGAACACTGAAGGAGAAATCCAGATCGATGGTGTGTCTTGGGATT[C>G]AATAACTTTGCAACAGTGGAGGAAAGCCTTTGGAGTGATACCACAGGTGAGCAAAAGGAC-3'

ClinVar aggregate classification (germline): Likely pathogenic (1 of 4 stars; one submission).

Conditions:
CFTR-related disorder (CFTR-RD). Also called: CFTR-related disorders; CFTR-related condition. Identifiers: MedGen C5924204, MONDO:7770004.

gnomAD v4.1: 1 of 1,613,542 alleles (0.000062%); highest among the groups gnomAD compares: Non-Finnish European, 0.000085%; no homozygotes.

Submission:

Natera, Inc.
Classification: Likely pathogenic for CFTR-related disorders. Last evaluated: 2025-07-18. Review status: criteria provided, single submitter. Criteria: Natera Variant Classification Schema (03/2026). Collection method: clinical testing. Allele origin: germline.
Comment: The c.3827C>G variant in CFTR is a nonsense variant predicted to introduce a stop codon at amino acid 1276. This variant is expected to result in nonsense mediated decay, truncation, or a dysfunctional protein product. This variant is rare in the general population with a frequency below the threshold expected for the associated phenotype(s). Given the available evidence, this variant is classified as Likely Pathogenic.